The following is an entry in ClinVar:

NM_002160.4(TNC):c.2465C>G (p.Thr822Ser)

Gene: TNC (tenascin C; minus strand). Cytogenetic location: 9q33.1.
Variant type: single nucleotide variant.
Coding change: c.2465C>G on transcript NM_002160.4 (MANE Select); coding-DNA position 2465, C replaced by G.
Protein change: p.Thr822Ser; replaces threonine 822 with serine.
Molecular consequence: missense variant.
Genome position (GRCh38, 1-based): chr9:115,078,152, G>C on the plus strand (C>G on the coding strand, the complement: TNC is on the minus strand). VCF-style: chr9-115078152-G-C. GRCh37 (hg19) VCF-style: chr9-117840431-G-C.
Other names: c.2465C>G, p.Thr822Ser (NM_001410991.1); short protein forms T822S.
Identifiers: ClinVar variation 2334042 (VCV002334042.4), dbSNP rs761838187, ClinGen allele CA5208513.
Genomic context (GRCh38, chr9:115,078,152, plus strand): 5'-ACGTCTTTGATGCCGTAGGTCAGCTCAATGCCATCGATCTCAGCCAGGGGCTTGAACCAG[G>C]TGATCAAGGCAGTGGTGTCTGTGACATCTTTCACCTCGATCTGGCTGGGGGCATCCAAGC-3'
Protein context (NP_002151.2, residues 812-832): KDVTDTTALI[Thr822Ser]WFKPLAEIDG

ClinVar aggregate classification (germline): Uncertain significance. Review status: criteria provided, multiple submitters, no conflicts (2 of 4 stars). 2 submissions from 2 submitters: Uncertain significance (2). Last evaluated 2026-04-24.

Conditions:
TNC-related disorder. Also called: TNC-related condition.

Allele frequency attached by ClinVar (database versions not stated): ExAC 0.00001.
gnomAD v4.1: 76 of 1,614,020 alleles (0.0047%); highest among the groups gnomAD compares: Non-Finnish European, 0.0061%; no homozygotes.

Submissions (2):

PreventionGenetics, part of Exact Sciences
Classification: Uncertain significance for TNC-related condition. Last evaluated: 2026-04-24. Review status: criteria provided, single submitter. Criteria: ACMG Guidelines, 2015. Collection method: clinical testing. Allele origin: germline.
Comment: The TNC c.2465C>G variant is predicted to result in the amino acid substitution p.Thr822Ser. To our knowledge, this variant has not been reported in the literature. This variant is reported in 0.0033% of alleles in individuals of South Asian descent in gnomAD. At this time, the clinical significance of this variant is uncertain due to the absence of conclusive functional and genetic evidence.

Ambry Genetics
Classification: Uncertain significance. Last evaluated: 2025-08-27. Review status: criteria provided, single submitter. Criteria: Ambry Variant Classification Scheme 2023. Collection method: clinical testing. Allele origin: germline.